The following is an entry in ClinVar:

NM_000052.7(ATP7A):c.1966G>C (p.Val656Leu)

Gene: ATP7A (ATPase copper transporting alpha; plus strand). Cytogenetic location: Xq21.1.
Variant type: single nucleotide variant.
Coding change: c.1966G>C on transcript NM_000052.7 (MANE Select); coding-DNA position 1966, G replaced by C.
Protein change: p.Val656Leu; replaces valine 656 with leucine.
Molecular consequence: missense variant.
Genome position (GRCh38, 1-based): chrX:78,011,468, G>C. VCF-style: chrX-78011468-G-C. GRCh37 (hg19) VCF-style: chrX-77266965-G-C.
Other names: c.1966G>C, p.Val656Leu (NM_001282224.2); short protein forms V656L.
Identifiers: ClinVar variation 1984036 (VCV001984036.4), dbSNP rs2077825139, ClinGen allele CA413598110.

ClinVar aggregate classification (germline): Uncertain significance (1 of 4 stars; one submission).

Conditions:
Menkes kinky-hair syndrome (MNK). Also called: Classic Menkes Disease; Copper transport disease; Menkes Disease. Identifiers: Orphanet 565, MedGen C0022716, MONDO:0010651, OMIM 309400.
X-linked distal spinal muscular atrophy type 3. Also called: NEURONOPATHY, DISTAL HEREDITARY MOTOR, X-LINKED; NEUROPATHY, DISTAL HEREDITARY MOTOR, X-LINKED; ATP7A-Related Distal Motor Neuropathy; SPINAL MUSCULAR ATROPHY, DISTAL, X-LINKED RECESSIVE. Identifiers: Orphanet 139557, MedGen C1845359, MONDO:0010338, OMIM 300489.
Cutis laxa, X-linked (OHS). Also called: EDS IX; Occipital horn syndrome. Identifiers: Orphanet 198, MedGen C0268353, MONDO:0010572, OMIM 304150.

Allele frequency attached by ClinVar (database versions not stated): TOPMed below 0.00001.

Submission:

Labcorp Genetics (formerly Invitae), Labcorp
Classification: Uncertain significance for X-linked distal spinal muscular atrophy type 3; Cutis laxa, X-linked; Menkes kinky-hair syndrome. Last evaluated: 2022-11-15. Review status: criteria provided, single submitter. Criteria: Invitae Variant Classification Sherloc (09022015). Collection method: clinical testing. Allele origin: germline.
Comment: This variant is not present in population databases (gnomAD no frequency). This sequence change replaces valine, which is neutral and non-polar, with leucine, which is neutral and non-polar, at codon 656 of the ATP7A protein (p.Val656Leu). In summary, the available evidence is currently insufficient to determine the role of this variant in disease. Therefore, it has been classified as a Variant of Uncertain Significance. Advanced modeling of protein sequence and biophysical properties (such as structural, functional, and spatial information, amino acid conservation, physicochemical variation, residue mobility, and thermodynamic stability) performed at Invitae indicates that this missense variant is not expected to disrupt ATP7A protein function. This variant has not been reported in the literature in individuals affected with ATP7A-related conditions.